The following is an entry in ClinVar:

NM_000748.3(CHRNB2):c.1343G>C (p.Ser448Thr)

Gene: CHRNB2 (cholinergic receptor nicotinic beta 2 subunit; plus strand). Cytogenetic location: 1q21.3.
Variant type: single nucleotide variant.
Coding change: c.1343G>C on transcript NM_000748.3 (MANE Select); coding-DNA position 1343, G replaced by C.
Protein change: p.Ser448Thr; replaces serine 448 with threonine.
Molecular consequence: missense variant.
Genome position (GRCh38, 1-based): chr1:154,575,766, G>C. VCF-style: chr1-154575766-G-C. GRCh37 (hg19) VCF-style: chr1-154548242-G-C.
Other names: short protein forms S448T.
Identifiers: ClinVar variation 2961457 (VCV002961457.3), dbSNP rs774575734, ClinGen allele CA342632598.

ClinVar aggregate classification (germline): Uncertain significance (1 of 4 stars; one submission).

Conditions:
Familial sleep-related hypermotor epilepsy. Also called: Autosomal Dominant Sleep-Related Hypermotor (Hyperkinetic) Epilepsy. Identifiers: Orphanet 98784, MedGen C3696898, MONDO:0000030.

gnomAD v4.1: 10 of 1,614,150 alleles (0.00062%); highest among the groups gnomAD compares: Non-Finnish European, 0.00076%; no homozygotes.

Submission:

Labcorp Genetics (formerly Invitae), Labcorp
Classification: Uncertain significance. Last evaluated: 2025-11-09. Review status: criteria provided, single submitter. Criteria: Invitae Variant Classification Sherloc (09022015). Collection method: clinical testing. Allele origin: germline.
Comment: This sequence change replaces serine, which is neutral and polar, with threonine, which is neutral and polar, at codon 448 of the CHRNB2 protein (p.Ser448Thr). This variant is present in population databases (no rsID available, gnomAD 0.0009%). This variant has not been reported in the literature in individuals affected with CHRNB2-related conditions. ClinVar contains an entry for this variant (Variation ID: 2961457). Invitae Evidence Modeling of protein sequence and biophysical properties (such as structural, functional, and spatial information, amino acid conservation, physicochemical variation, residue mobility, and thermodynamic stability) indicates that this missense variant is not expected to disrupt CHRNB2 protein function with a negative predictive value of 80%. In summary, the available evidence is currently insufficient to determine the role of this variant in disease. Therefore, it has been classified as a Variant of Uncertain Significance.